The following is an entry in ClinVar:

ClinVar aggregate classification (germline): Uncertain significance (0 of 4 stars; one submission).

Conditions:
PYCR1-related disorder. Also called: PYCR1-related condition.

Submission:

PreventionGenetics, part of Exact Sciences
Classification: Uncertain significance for PYCR1-related condition. Last evaluated: 2024-03-29. Review status: no assertion criteria provided. Collection method: clinical testing. Allele origin: germline.
Comment: The PYCR1 c.78C>A variant is predicted to result in the amino acid substitution p.Asp26Glu. To our knowledge, this variant has not been reported in the literature or in a large population database, indicating this variant is rare. At this time, the clinical significance of this variant is uncertain due to the absence of conclusive functional and genetic evidence.

NM_006907.4(PYCR1):c.-4C>A

Gene: PYCR1 (pyrroline-5-carboxylate reductase 1; minus strand). Cytogenetic location: 17q25.3.
Variant type: single nucleotide variant.
Coding change: c.-4C>A on transcript NM_006907.4 (MANE Select); 4 bases upstream of the start codon, C replaced by A.
Molecular consequence: 5 prime UTR variant. On other transcripts: missense variant (1).
Genome position (GRCh38, 1-based): chr17:81,936,818, G>T on the plus strand (C>A on the coding strand, the complement: PYCR1 is on the minus strand). VCF-style: chr17-81936818-G-T. GRCh37 (hg19) VCF-style: chr17-79894694-G-T.
Other names: c.-4C>A (NM_001282279.2, NM_001282280.2, NM_001330523.2 and 1 more transcripts); c.78C>A, p.Asp26Glu (NM_001282281.2); short protein forms D26E.
Identifiers: ClinVar variation 3344194 (VCV003344194.1).